The following is an entry in ClinVar:

NM_015627.3(LDLRAP1):c.115C>T (p.Arg39Trp)

Gene: LDLRAP1 (low density lipoprotein receptor adaptor protein 1; plus strand). Cytogenetic location: 1p36.11.
Variant type: single nucleotide variant.
Coding change: c.115C>T on transcript NM_015627.3 (MANE Select); coding-DNA position 115, C replaced by T.
Protein change: p.Arg39Trp; replaces arginine 39 with tryptophan.
Molecular consequence: missense variant.
Genome position (GRCh38, 1-based): chr1:25,553,948, C>T. VCF-style: chr1-25553948-C-T. GRCh37 (hg19) VCF-style: chr1-25880439-C-T.
Other names: short protein forms R39W.
Identifiers: ClinVar variation 406209 (VCV000406209.7), dbSNP rs201179339, ClinGen allele CA695440.

ClinVar aggregate classification (germline): Uncertain significance. Review status: criteria provided, single submitter (1 of 4 stars). 2 submissions from 2 submitters: Uncertain significance (1). 1 of the submissions does not count toward it. Last evaluated 2022-07-02.

Conditions:
Familial hypercholesterolemia. Also called: Familial hypercholesterolemias; Familial hypercholesterolaemia. Identifiers: MedGen C0020445, MONDO:0005439.
Hypercholesterolemia, familial, 4 (FHCL4). Also called: HYPERCHOLESTEROLEMIA, AUTOSOMAL RECESSIVE, 1; HYPERCHOLESTEROLEMIA, AUTOSOMAL RECESSIVE, 2. Identifiers: Orphanet 391665, MedGen C1863512, MONDO:0011374, OMIM 603813.

Allele frequency attached by ClinVar (database versions not stated): gnomAD 0.00001 and 0.00003; gnomAD exomes 0.00001 and 0.00002; ExAC 0.00003.

Submissions (2):

Labcorp Genetics (formerly Invitae), Labcorp
Classification: Uncertain significance for Hypercholesterolemia, familial, 4. Last evaluated: 2022-07-02. Review status: criteria provided, single submitter. Criteria: Invitae Variant Classification Sherloc (09022015). Collection method: clinical testing. Allele origin: germline.
Comment: This sequence change replaces arginine, which is basic and polar, with tryptophan, which is neutral and slightly polar, at codon 39 of the LDLRAP1 protein (p.Arg39Trp). This variant is present in population databases (rs201179339, gnomAD 0.004%). This variant has not been reported in the literature in individuals affected with LDLRAP1-related conditions. ClinVar contains an entry for this variant (Variation ID: 406209). Algorithms developed to predict the effect of missense changes on protein structure and function are either unavailable or do not agree on the potential impact of this missense change (SIFT: "Deleterious"; PolyPhen-2: "Probably Damaging"; Align-GVGD: "Class C0"). In summary, the available evidence is currently insufficient to determine the role of this variant in disease. Therefore, it has been classified as a Variant of Uncertain Significance.

Natera, Inc.
Classification: Uncertain significance for Familial hypercholesterolemia. Last evaluated: 2021-02-18. Review status: no assertion criteria provided. Collection method: clinical testing. Allele origin: germline. Not counted in ClinVar's aggregate classification.